The following is an entry in ClinVar:

NM_000059.4(BRCA2):c.1594G>A (p.Glu532Lys)

Gene: BRCA2 (BRCA2 DNA repair associated; plus strand). Cytogenetic location: 13q13.1.
Variant type: single nucleotide variant.
Coding change: c.1594G>A on transcript NM_000059.4 (MANE Select); coding-DNA position 1594, G replaced by A.
Protein change: p.Glu532Lys; replaces glutamic acid 532 with lysine.
Molecular consequence: missense variant.
Genome position (GRCh38, 1-based): chr13:32,333,072, G>A. VCF-style: chr13-32333072-G-A. GRCh37 (hg19) VCF-style: chr13-32907209-G-A.
Other names: short protein forms E532K.
Identifiers: ClinVar variation 188427 (VCV000188427.27), dbSNP rs138734772, ClinGen allele CA012531.

ClinVar aggregate classification (germline): Conflicting classifications of pathogenicity. Review status: criteria provided, conflicting classifications (1 of 4 stars). 8 submissions from 8 submitters: Uncertain significance (5); Likely benign (1). 2 of the submissions do not count toward it. Last evaluated 2025-07-31.

Conditions:
Hereditary cancer-predisposing syndrome. Also called: Neoplastic Syndromes, Hereditary; Tumor predisposition; Hereditary neoplastic syndrome; Hereditary Cancer Syndrome. Identifiers: Orphanet 140162, MedGen C0027672, MeSH D009386, MONDO:0015356.
Hereditary breast ovarian cancer syndrome. Also called: Hereditary breast and/or ovarian cancer syndrome; Breast and ovarian cancer; BRCA1- and BRCA2-Associated Hereditary Breast and Ovarian Cancer; Hereditary breast and ovarian cancer syndrome (HBOC); Hereditary breast and ovarian cancer syndrome; Hereditary breast and ovarian cancer. Identifiers: Orphanet 145, MedGen C0677776, MeSH D061325, MONDO:0003582. Disease mechanism: loss of function.
Breast-ovarian cancer, familial, susceptibility to, 2 (BROVCA2). Also called: BRCA2 Hereditary Breast and Ovarian Cancer. Identifiers: Orphanet 145, MedGen C2675520, MONDO:0012933, OMIM 612555. Disease mechanism: loss of function.
Malignant tumor of breast. Also called: Cancer breast; Malignant breast neoplasm. Identifiers: MedGen C0006142, MONDO:0007254. Disease mechanism: loss of function.

Submissions (8):

Labcorp Genetics (formerly Invitae), Labcorp
Classification: Uncertain significance for Hereditary breast ovarian cancer syndrome. Last evaluated: 2025-07-31. Review status: criteria provided, single submitter. Criteria: Invitae Variant Classification Sherloc (09022015). Collection method: clinical testing. Allele origin: germline.
Comment: This sequence change replaces glutamic acid, which is acidic and polar, with lysine, which is basic and polar, at codon 532 of the BRCA2 protein (p.Glu532Lys). This variant is present in population databases (rs138734772, gnomAD 0.002%). This variant has not been reported in the literature in individuals affected with BRCA2-related conditions. ClinVar contains an entry for this variant (Variation ID: 188427). Invitae Evidence Modeling of protein sequence and biophysical properties (such as structural, functional, and spatial information, amino acid conservation, physicochemical variation, residue mobility, and thermodynamic stability) indicates that this missense variant is not expected to disrupt BRCA2 protein function with a negative predictive value of 95%. In summary, the available evidence is currently insufficient to determine the role of this variant in disease. Therefore, it has been classified as a Variant of Uncertain Significance.

Ambry Genetics
Classification: Uncertain significance for Hereditary cancer-predisposing syndrome. Last evaluated: 2024-10-30. Review status: criteria provided, single submitter. Criteria: Ambry Variant Classification Scheme 2023. Collection method: clinical testing. Allele origin: germline.
Comment: The p.E532K variant (also known as c.1594G>A), located in coding exon 9 of the BRCA2 gene, results from a G to A substitution at nucleotide position 1594. The glutamic acid at codon 532 is replaced by lysine, an amino acid with similar properties. This amino acid position is not well conserved in available vertebrate species. In addition, this alteration is predicted to be tolerated by in silico analysis. Based on the available evidence, the clinical significance of this variant remains unclear.

All of Us Research Program, National Institutes of Health
Classification: Uncertain significance for Breast-ovarian cancer, familial, susceptibility to, 2. Last evaluated: 2023-12-01. Review status: criteria provided, single submitter. Criteria: ACMG Guidelines, 2015. Collection method: clinical testing. Allele origin: germline. Inheritance: Autosomal dominant inheritance. Observed: 2 variant alleles, 2 heterozygotes.
Comment: This missense variant replaces glutamic acid with lysine at codon 532 of the BRCA2 protein. Computational prediction suggests that this variant may not impact protein structure and function (internally defined REVEL score threshold <= 0.5, PMID: 27666373). To our knowledge, functional studies have not been reported for this variant. This variant has not been reported in individuals affected with hereditary cancer in the literature. This variant has been identified in 2/247616 chromosomes in the general population by the Genome Aggregation Database (gnomAD). The available evidence is insufficient to determine the role of this variant in disease conclusively. Therefore, this variant is classified as a Variant of Uncertain Significance.

This study involves interpretation of variants in research participants for the purpose of population health screening. Participant phenotype was not available at the time of variant classification. Additional details can be found in publication PMID: 35346344, PMCID: PMC8962531

University of Washington Department of Laboratory Medicine, University of Washington
Classification: Likely benign for Hereditary cancer-predisposing syndrome. Last evaluated: 2023-03-23. Review status: criteria provided, single submitter. Criteria: Dines et al. (Genet Med. 2020). Collection method: curation. Allele origin: germline.
Comment: Missense variant in a coldspot region where missense variants are very unlikely to be pathogenic (PMID:31911673).

BRCA2 exon 10 coldspot. Reclassification based on statistical prior probability.

Quest Diagnostics Nichols Institute San Juan Capistrano
Classification: Uncertain significance. Last evaluated: 2023-01-24. Review status: criteria provided, single submitter. Criteria: Quest Diagnostics criteria. Collection method: clinical testing. Allele origin: unknown.
Comment: The variant has not been reported in the published literature. The frequency of this variant in the general population, 0.0000081 (2/247616 chromosomes), is uninformative in assessment of its pathogenicity. Analysis of this variant using bioinformatics tools for the prediction of the effect of amino acid changes on protein structure and function yielded predictions that this variant is benign. Based on the available information, we are unable to determine the clinical significance of this variant.

Molecular Genetics Laboratory, University of Michigan
Classification: Uncertain significance for Breast-ovarian cancer, familial, susceptibility to, 2. Last evaluated: 2016-04-21. Review status: criteria provided, single submitter. Criteria: ACMG Guidelines, 2015. Collection method: clinical testing. Allele origin: germline. Affected: yes.

Counsyl
Classification: Uncertain significance for Breast-ovarian cancer, familial, susceptibility to, 2. Last evaluated: 2018-03-07. Review status: no assertion criteria provided. Collection method: clinical testing. Allele origin: unknown. Not counted in ClinVar's aggregate classification.

Department of Pathology and Laboratory Medicine, Sinai Health System
Classification: Uncertain significance for Malignant tumor of breast. Review status: no assertion criteria provided. Collection method: clinical testing. Allele origin: unknown. Affected: yes. Observed: 1 variant allele. Study: The Canadian Open Genetics Repository (COGR). Not counted in ClinVar's aggregate classification.
Comment: The BRCA2 p.Glu532Lys was not identified in the literature, nor was it identified in the dbSNP, HGMD, UMD, BIC, and LOVD databases. The variant was reported in the Exome Variant Server ESP Project, with a frequency of 0.0001 in European American alleles; however, this is based on only one occurrence of the variant in that population. Although the p.Glu983 residue is conserved in mammals, computational analyses (PolyPhen-2, SIFT, AlignGVGD, BLOSUM) do not suggest a high likelihood of impact to the protein. However, this is not predictive enough to rule out pathogenicity. In summary, based on the above information, the clinical significance of this variant cannot be determined with certainty at this time. This variant is classified as a variant of unknown significance.